The following is an entry in ClinVar:

NM_001999.4(FBN2):c.248T>C (p.Leu83Pro)

Gene: FBN2 (fibrillin 2; minus strand). Cytogenetic location: 5q23.3.
Variant type: single nucleotide variant.
Coding change: c.248T>C on transcript NM_001999.4 (MANE Select); coding-DNA position 248, T replaced by C.
Protein change: p.Leu83Pro; replaces leucine 83 with proline.
Molecular consequence: missense variant.
Genome position (GRCh38, 1-based): chr5:128,537,356, A>G on the plus strand (T>C on the coding strand, the complement: FBN2 is on the minus strand). VCF-style: chr5-128537356-A-G. GRCh37 (hg19) VCF-style: chr5-127873049-A-G.
Other names: short protein forms L83P.
Identifiers: ClinVar variation 1792052 (VCV001792052.2), dbSNP rs1756881331, ClinGen allele CA360761785.

ClinVar aggregate classification (germline): Uncertain significance (1 of 4 stars; one submission).

Conditions:
Familial thoracic aortic aneurysm and aortic dissection (TAAD). Also called: Thoracic aortic aneurysms and dissections. Identifiers: Orphanet 91387, MedGen C4707243, MONDO:0019625.

Allele frequency attached by ClinVar (database versions not stated): TOPMed below 0.00001; gnomAD exomes 0.00001.
gnomAD v4.1: 7 of 1,610,552 alleles (0.00043%); highest among the groups gnomAD compares: East Asian, 0.0022%; no homozygotes.

Submission:

Ambry Genetics
Classification: Uncertain significance for Familial thoracic aortic aneurysm and aortic dissection. Last evaluated: 2018-07-31. Review status: criteria provided, single submitter. Criteria: Ambry Variant Classification Scheme 2023. Collection method: clinical testing. Allele origin: germline.
Comment: The p.L83P variant (also known as c.248T>C), located in coding exon 1 of the FBN2 gene, results from a T to C substitution at nucleotide position 248. The leucine at codon 83 is replaced by proline, an amino acid with similar properties. This amino acid position is highly conserved in available vertebrate species. In addition, this alteration is predicted to be deleterious by in silico analysis. Since supporting evidence is limited at this time, the clinical significance of this alteration remains unclear.